The following is an entry in ClinVar:

NM_015909.4(NBAS):c.4413G>T (p.Gly1471=)

Gene: NBAS (NBAS subunit of NRZ tethering complex; minus strand). Cytogenetic location: 2p24.3.
Variant type: single nucleotide variant.
Coding change: c.4413G>T on transcript NM_015909.4 (MANE Select); coding-DNA position 4413, G replaced by T.
Protein change: p.Gly1471=; no amino-acid change (glycine 1471 retained).
Molecular consequence: synonymous variant. On other transcripts: non-coding transcript variant (1).
Genome position (GRCh38, 1-based): chr2:15,328,247, C>A on the plus strand (G>T on the coding strand, the complement: NBAS is on the minus strand). VCF-style: chr2-15328247-C-A. GRCh37 (hg19) VCF-style: chr2-15468371-C-A.
Other names: c.4413G>T (NM_015909.3).
Identifiers: ClinVar variation 1298793 (VCV001298793.41), dbSNP rs138608842, ClinGen allele CA1535658.

ClinVar aggregate classification (germline): Likely benign. Review status: criteria provided, multiple submitters, no conflicts (2 of 4 stars). 3 submissions from 3 submitters: Likely benign (2). 1 of the submissions does not count toward it. Last evaluated 2026-01-13.

Conditions:
NBAS-related disorder. Also called: NBAS-related condition.

Allele frequency attached by ClinVar (database versions not stated): gnomAD exomes 0.00005; ExAC 0.00011; 1000 Genomes Project 30x 0.00016; gnomAD 0.00017 and 0.00024; 1000 Genomes Project 0.00020; TOPMed 0.00032; ESP Exome Variant Server 0.00046.
gnomAD v4.1: 55 of 1,613,948 alleles (0.0034%); highest among the groups gnomAD compares: African/African-American, 0.068%; no homozygotes.

Submissions (3):

Labcorp Genetics (formerly Invitae), Labcorp
Classification: Likely benign. Last evaluated: 2026-01-13. Review status: criteria provided, single submitter. Criteria: Invitae Variant Classification Sherloc (09022015). Collection method: clinical testing. Allele origin: germline.

CeGaT Center for Human Genetics Tuebingen
Classification: Likely benign. Last evaluated: 2021-07-01. Review status: criteria provided, single submitter. Criteria: CeGaT Center For Human Genetics Tuebingen Variant Classification Criteria Version 2. Collection method: clinical testing. Allele origin: germline. Affected: yes. Observed: 1 variant allele.

PreventionGenetics, part of Exact Sciences
Classification: Likely benign for NBAS-related condition. Last evaluated: 2019-07-15. Review status: no assertion criteria provided. Collection method: clinical testing. Allele origin: germline. Not counted in ClinVar's aggregate classification.
Comment: This variant is classified as likely benign based on ACMG/AMP sequence variant interpretation guidelines (Richards et al. 2015 PMID: 25741868, with internal and published modifications).